The following is an entry in ClinVar:

NM_000032.5(ALAS2):c.1106G>A (p.Gly369Asp)

Gene: ALAS2 (5'-aminolevulinate synthase 2; minus strand). Cytogenetic location: Xp11.21.
Variant type: single nucleotide variant.
Coding change: c.1106G>A on transcript NM_000032.5 (MANE Select); coding-DNA position 1106, G replaced by A.
Protein change: p.Gly369Asp; replaces glycine 369 with aspartic acid.
Molecular consequence: missense variant.
Genome position (GRCh38, 1-based): chrX:55,015,640, C>T on the plus strand (G>A on the coding strand, the complement: ALAS2 is on the minus strand). VCF-style: chrX-55015640-C-T. GRCh37 (hg19) VCF-style: chrX-55042073-C-T.
Other names: c.995G>A, p.Gly332Asp (NM_001037967.4); c.1067G>A, p.Gly356Asp (NM_001037968.4); short protein forms G332D, G356D, G369D.
Identifiers: ClinVar variation 4801054 (VCV004801054.1).

ClinVar aggregate classification (germline): Uncertain significance (1 of 4 stars; one submission).

gnomAD v4.1: 1 of 1,211,502 alleles (0.000083%); no homozygotes.

Submission:

Labcorp Genetics (formerly Invitae), Labcorp
Classification: Uncertain significance. Last evaluated: 2026-01-08. Review status: criteria provided, single submitter. Criteria: Invitae Variant Classification Sherloc (09022015). Collection method: clinical testing. Allele origin: germline.
Comment: This sequence change replaces glycine, which is neutral and non-polar, with aspartic acid, which is acidic and polar, at codon 369 of the ALAS2 protein (p.Gly369Asp). This variant is present in population databases (no rsID available, gnomAD 0.006%). This variant has not been reported in the literature in individuals affected with ALAS2-related conditions. Invitae Evidence Modeling of protein sequence and biophysical properties (such as structural, functional, and spatial information, amino acid conservation, physicochemical variation, residue mobility, and thermodynamic stability) indicates that this missense variant is expected to disrupt ALAS2 protein function with a positive predictive value of 95%. In summary, the available evidence is currently insufficient to determine the role of this variant in disease. Therefore, it has been classified as a Variant of Uncertain Significance.